The following is an entry in ClinVar:

NM_000051.4(ATM):c.5910del (p.Glu1971fs)

Genes: ATM (ATM serine/threonine kinase; plus strand), C11orf65 (chromosome 11 open reading frame 65; minus strand). Cytogenetic location: 11q22.3.
Variant type: Deletion.
Coding change: c.5910del on transcript NM_000051.4 (MANE Select); coding-DNA position 5910, one base deleted (A; older notation c.5910delA).
Protein change: p.Glu1971fs; shifts the reading frame from glutamic acid 1971.
Molecular consequence: frameshift variant. On other transcripts: intron variant (2).
Genome position (GRCh38, 1-based): chr11:108,310,307, A deleted; the last of 2 consecutive A bases (chr11:108,310,306-108,310,307); deleting either gives the same sequence. VCF-style (leftmost placement, unchanged base first): chr11-108310305-CA-C. GRCh37 (hg19) VCF-style: chr11-108181032-CA-C.
Other names: c.5910delA, p.Glu1971Argfs (NM_000051.3); c.5910del, p.Glu1971fs (NM_001351834.2); c.641-1235del (NM_001330368.2); c.*39-1235del (NM_001351110.2); short protein forms E1971fs.
Identifiers: ClinVar variation 142051 (VCV000142051.26), dbSNP rs587782198, ClinGen allele CA167261.

ClinVar aggregate classification (germline): Pathogenic. Review status: criteria provided, multiple submitters, no conflicts (2 of 4 stars). 8 submissions from 8 submitters: Pathogenic (7). 1 of the submissions does not count toward it. Last evaluated 2026-01-13.

Conditions:
Hereditary cancer-predisposing syndrome. Also called: Neoplastic Syndromes, Hereditary; Hereditary Cancer Syndrome; Tumor predisposition; Hereditary neoplastic syndrome. Identifiers: Orphanet 140162, MedGen C0027672, MeSH D009386, MONDO:0015356.
Ataxia-telangiectasia syndrome (AT). Also called: Ataxia-telangiectasia, complementation group D; AT, COMPLEMENTATION GROUP C; Ataxia-telangiectasia; ATAXIA-TELANGIECTASIA, COMPLEMENTATION GROUP A; ATAXIA-TELANGIECTASIA, FRESNO VARIANT; Ataxia-telangiectasia, complementation group E. Identifiers: Orphanet 100, MedGen C0004135, MONDO:0008840, OMIM 208900.
Familial cancer of breast. Also called: BREAST CANCER, FAMILIAL; hereditary breast carcinoma; Hereditary breast cancer. Identifiers: Orphanet 227535, MedGen C0346153, MONDO:0016419, OMIM 114480. Disease mechanism: loss of function.

Submissions (8):

Labcorp Genetics (formerly Invitae), Labcorp
Classification: Pathogenic for Ataxia-telangiectasia syndrome. Last evaluated: 2026-01-13. Review status: criteria provided, single submitter. Criteria: Invitae Variant Classification Sherloc (09022015). Collection method: clinical testing. Allele origin: germline.
Comment: This sequence change creates a premature translational stop signal (p.Glu1971Argfs*19) in the ATM gene. It is expected to result in an absent or disrupted protein product. Loss-of-function variants in ATM are known to be pathogenic (PMID: 23807571, 25614872). This variant is not present in population databases (gnomAD no frequency). This premature translational stop signal has been observed in individual(s) with ataxia-telangiectasia (PMID: 9463314, 15928302, 27433846, 28779002). ClinVar contains an entry for this variant (Variation ID: 142051). For these reasons, this variant has been classified as Pathogenic.

Ambry Genetics
Classification: Pathogenic for Hereditary cancer-predisposing syndrome. Last evaluated: 2025-08-06. Review status: criteria provided, single submitter. Criteria: Ambry Variant Classification Scheme 2023. Collection method: clinical testing. Allele origin: germline.
Comment: The c.5910delA pathogenic mutation, located in coding exon 38 of the ATM gene, results from a deletion of one nucleotide at nucleotide position 5910, causing a translational frameshift with a predicted alternate stop codon (p.E1971Rfs*19). This variant is considered to be rare based on population cohorts in the Genome Aggregation Database (gnomAD). In addition to the clinical data presented in the literature, this alteration is expected to result in loss of function by premature protein truncation or nonsense-mediated mRNA decay. As such, this alteration is interpreted as a disease-causing mutation.

Baylor Genetics
Classification: Pathogenic for Familial cancer of breast. Last evaluated: 2024-03-16. Review status: criteria provided, single submitter. Criteria: ACMG Guidelines, 2015. Collection method: clinical testing. Allele origin: unknown.

Myriad Genetics, Inc.
Classification: Pathogenic for Familial cancer of breast. Last evaluated: 2024-01-26. Review status: criteria provided, single submitter. Criteria: Myriad Autosomal Dominant, Autosomal Recessive and X-Linked Classification Criteria (2023). Collection method: clinical testing. Allele origin: unknown.
Comment: This variant is considered pathogenic. This variant creates a frameshift predicted to result in premature protein truncation.

Color Diagnostics, LLC DBA Color Health
Classification: Pathogenic for Hereditary cancer-predisposing syndrome. Last evaluated: 2020-01-15. Review status: criteria provided, single submitter. Criteria: ACMG Guidelines, 2015. Collection method: clinical testing. Allele origin: germline.
Comment: This variant deletes 1 nucleotide in exon 39 of the ATM gene, creating a frameshift and premature translation stop signal. This variant is expected to result in an absent or non-functional protein product. This variant has not been identified in the general population by the Genome Aggregation Database (gnomAD). Loss of ATM function is a known mechanism of disease. Based on the available evidence, this variant is classified as Pathogenic.

GeneDx
Classification: Pathogenic. Last evaluated: 2019-12-17. Review status: criteria provided, single submitter. Criteria: GeneDx Variant Classification Process June 2021. Collection method: clinical testing. Allele origin: germline. Affected: yes.
Comment: Frameshift variant predicted to result in protein truncation or nonsense mediated decay in a gene for which loss-of-function is a known mechanism of disease; Not observed in large population cohorts (Lek et al., 2016); This variant is associated with the following publications: (PMID: 9463314, 27433846, 15928302, 28779002)

Knight Diagnostic Laboratories, Oregon Health and Sciences University
Classification: Pathogenic for Hereditary cancer-predisposing syndrome. Last evaluated: 2019-12-11. Review status: criteria provided, single submitter. Criteria: ACMG Guidelines, 2015. Collection method: clinical testing. Allele origin: germline. Observed: 1 variant allele.

Counsyl
Classification: Likely pathogenic for Ataxia-telangiectasia syndrome. Last evaluated: 2017-01-25. Review status: no assertion criteria provided. Collection method: clinical testing. Allele origin: unknown. Not counted in ClinVar's aggregate classification.

Literature cited by the submitters: PubMed 23807571 (cited by Labcorp Genetics (formerly Invitae), Labcorp); PubMed 25614872 (cited by Labcorp Genetics (formerly Invitae), Labcorp); PubMed 9463314 (cited by Labcorp Genetics (formerly Invitae), Labcorp and Counsyl); PubMed 15928302 (cited by Labcorp Genetics (formerly Invitae), Labcorp and Counsyl); PubMed 27433846 (cited by Labcorp Genetics (formerly Invitae), Labcorp); PubMed 28779002 (cited by Labcorp Genetics (formerly Invitae), Labcorp and Ambry Genetics).